The following is an entry in ClinVar:

NM_001111.5(ADAR):c.3548G>T (p.Gly1183Val)

Gene: ADAR (adenosine deaminase RNA specific; minus strand). Cytogenetic location: 1q21.3.
Variant type: single nucleotide variant.
Coding change: c.3548G>T on transcript NM_001111.5 (MANE Select); coding-DNA position 3548, G replaced by T.
Protein change: p.Gly1183Val; replaces glycine 1183 with valine.
Molecular consequence: missense variant.
Genome position (GRCh38, 1-based): chr1:154,584,939, C>A on the plus strand (G>T on the coding strand, the complement: ADAR is on the minus strand). VCF-style: chr1-154584939-C-A. GRCh37 (hg19) VCF-style: chr1-154557415-C-A.
Other names: c.2663G>T, p.Gly888Val (NM_001025107.3, NM_001193495.2, NM_001365046.1 and 2 more transcripts); c.3575G>T, p.Gly1192Val (NM_001365045.1); c.2585G>T, p.Gly862Val (NM_001365049.1); c.3470G>T, p.Gly1157Val (NM_015840.4); c.3413G>T, p.Gly1138Val (NM_015841.4); short protein forms G1138V, G1183V, G862V, G1157V, G1192V, G888V.
Identifiers: ClinVar variation 2085135 (VCV002085135.4), dbSNP rs764682423, ClinGen allele CA342634720.
Genomic context (GRCh38, chr1:154,584,939, plus strand): 5'-AGGCCTTTTTTGAAGTAGTTCTTGGCCGTCTCGTAGTCACGGGCAGCTTTCTTGGCCTCA[C>A]CATAGGAGAGTCTCAGTAGATCCCTGCGGTAACGGAAGGAGCAGAGCTTCTTAAATAGAA-3'
Protein context (NP_001102.3, residues 1173-1193): YRRDLLRLSY[Gly1183Val]EAKKAARDYE

ClinVar aggregate classification (germline): Uncertain significance (1 of 4 stars; one submission).

Conditions:
Aicardi-Goutieres syndrome 6 (AGS6). Identifiers: Orphanet 51, MedGen C3539013, MONDO:0014007, OMIM 615010.
Symmetrical dyschromatosis of extremities (DSH). Also called: RETICULATE ACROPIGMENTATION OF DOHI; SYMMETRIC DYSCHROMATOSIS OF THE EXTREMITIES; Dyschromatosis symmetrica hereditaria; DYSCHROMATOSIS SYMMETRICA HEREDITARIA 1. Identifiers: Orphanet 41, MedGen C0406775, MONDO:0007483, OMIM 127400.

Allele frequency attached by ClinVar (database versions not stated): TOPMed 0.00001; gnomAD 0.00003.
gnomAD v4.1: 5 of 1,614,046 alleles (0.00031%); highest among the groups gnomAD compares: African/African-American, 0.004%; no homozygotes.

Submission:

Labcorp Genetics (formerly Invitae), Labcorp
Classification: Uncertain significance for Aicardi-Goutieres syndrome 6; Symmetrical dyschromatosis of extremities. Last evaluated: 2023-04-29. Review status: criteria provided, single submitter. Criteria: Invitae Variant Classification Sherloc (09022015). Collection method: clinical testing. Allele origin: germline.
Comment: This sequence change replaces glycine, which is neutral and non-polar, with valine, which is neutral and non-polar, at codon 1183 of the ADAR protein (p.Gly1183Val). In summary, the available evidence is currently insufficient to determine the role of this variant in disease. Therefore, it has been classified as a Variant of Uncertain Significance. Advanced modeling of protein sequence and biophysical properties (such as structural, functional, and spatial information, amino acid conservation, physicochemical variation, residue mobility, and thermodynamic stability) performed at Invitae indicates that this missense variant is not expected to disrupt ADAR protein function. ClinVar contains an entry for this variant (Variation ID: 2085135). This variant has not been reported in the literature in individuals affected with ADAR-related conditions. This variant is present in population databases (no rsID available, gnomAD 0.01%).